The following is an entry in ClinVar:

ClinVar aggregate classification (germline): Uncertain significance (1 of 4 stars; one submission).

Conditions:
Intellectual developmental disorder with dysmorphic facies and ptosis (IDDDFP). Identifiers: Orphanet 698090, MedGen C4310617, MONDO:0015022, OMIM 617333.

Submission:

Victorian Clinical Genetics Services, Murdoch Childrens Research Institute
Classification: Uncertain significance for Intellectual developmental disorder with dysmorphic facies and ptosis. Last evaluated: 2026-04-27. Review status: criteria provided, single submitter. Criteria: ACMG Guidelines, 2015. Collection method: clinical testing. Allele origin: germline. Affected: yes.
Comment: This variant is classified as VUS-3A. Evidence in support of pathogenic classification: Variant is absent from gnomAD (v2, v3 and v4); Missense variant predicted to be damaging by in silico tool(s) or highly conserved with a major amino acid change. Additional information: Variant is predicted to result in a missense amino acid change from Glu to Val; This variant is heterozygous; This gene is associated with autosomal dominant disease; This variant has no previous evidence of pathogenicity; No published evidence of segregation with disease has been identified for this variant; No published functional evidence has been identified for this variant; No comparable missense variants have previous evidence for pathogenicity; Variant is not located in an established domain, motif, hotspot or informative constraint region; Loss of function is a known mechanism of disease in this gene and is associated with intellectual developmental disorder with dysmorphic facies and ptosis (MIM#617333); Variants in this gene are known to have variable expressivity (PMIDs: 32010779, 39837771); Inheritance information for this variant is not currently available in this individual.

Literature cited by the submitters: PubMed 32010779; PubMed 39837771.

NM_001003694.2(BRPF1):c.1880A>T (p.Glu627Val)

Gene: BRPF1 (bromodomain and PHD finger containing 1; plus strand). Cytogenetic location: 3p25.3.
Variant type: single nucleotide variant.
Coding change: c.1880A>T on transcript NM_001003694.2 (MANE Select); coding-DNA position 1880, A replaced by T.
Protein change: p.Glu627Val; replaces glutamic acid 627 with valine.
Molecular consequence: missense variant. On other transcripts: non-coding transcript variant (1).
Genome position (GRCh38, 1-based): chr3:9,742,050, A>T. VCF-style: chr3-9742050-A-T. GRCh37 (hg19) VCF-style: chr3-9783734-A-T.
Other names: c.1880A>T, p.Glu627Val (NM_001438343.1, NM_001438344.1, NM_001438345.1 and 7 more transcripts); short protein forms E627V.
Identifiers: ClinVar variation 4879716 (VCV004879716.1).
Genomic context (GRCh38, chr3:9,742,050, plus strand): 5'-CGAGGCCTGGCTGATCAGGCCTTTTTCTATGTTAGATCAAGGTTCAGCAGATTGCCATGG[A>T]GATGCAGCTGACTCCTTTCCTCATCCTCCTTCGCAAAACCTTGGAGCAGCTCCAAGAGAA-3'
Protein context (NP_001003694.1, residues 617-637): ETIKVQQIAM[Glu627Val]MQLTPFLILL